The following is an entry in ClinVar:

NM_004333.6(BRAF):c.1379G>A (p.Gly460Glu)

Gene: BRAF (B-Raf proto-oncogene, serine/threonine kinase; minus strand). Cytogenetic location: 7q34.
Variant type: single nucleotide variant.
Coding change: c.1379G>A on transcript NM_004333.6 (MANE Select); coding-DNA position 1379, G replaced by A.
Protein change: p.Gly460Glu; replaces glycine 460 with glutamic acid.
Molecular consequence: missense variant.
Genome position (GRCh38, 1-based): chr7:140,781,629, C>T on the plus strand (G>A on the coding strand, the complement: BRAF is on the minus strand). VCF-style: chr7-140781629-C-T. GRCh37 (hg19) VCF-style: chr7-140481429-C-T.
Other names: c.1379G>A, p.Gly460Glu (NM_001354609.2, NM_001378468.1, NM_001378474.1); c.1499G>A, p.Gly500Glu (NM_001374244.1, NM_001374258.1); c.1388G>A, p.Gly463Glu (NM_001378467.1); c.1313G>A, p.Gly438Glu (NM_001378469.1); c.1277G>A, p.Gly426Glu (NM_001378470.1); c.1268G>A, p.Gly423Glu (NM_001378471.1); c.1223G>A, p.Gly408Glu (NM_001378472.1, NM_001378473.1); c.1115G>A, p.Gly372Glu (NM_001378475.1); short protein forms G372E, G408E, G423E, G426E, G438E, G460E, G463E, G500E.
Identifiers: ClinVar variation 1711752 (VCV001711752.6), dbSNP rs2129023717, ClinGen allele CA369588919.

ClinVar aggregate classification (germline): Uncertain significance. Review status: criteria provided, single submitter (1 of 4 stars). 2 submissions from 2 submitters: Uncertain significance (1). 1 of the submissions does not count toward it. Last evaluated 2023-11-21.

Conditions:
Prostate cancer, hereditary, 1 (HPC1). Identifiers: Orphanet 1331, MedGen C4722327, MONDO:0011098, OMIM 601518.
RASopathy. Also called: rasopathies; Noonan spectrum disorder. Identifiers: Orphanet 536391, MedGen C5555857, MONDO:0021060.

Submissions (2):

Labcorp Genetics (formerly Invitae), Labcorp
Classification: Uncertain significance for RASopathy. Last evaluated: 2023-11-21. Review status: criteria provided, single submitter. Criteria: Invitae Variant Classification Sherloc (09022015). Collection method: clinical testing. Allele origin: germline.
Comment: This sequence change replaces glycine, which is neutral and non-polar, with glutamic acid, which is acidic and polar, at codon 460 of the BRAF protein (p.Gly460Glu). This variant is not present in population databases (gnomAD no frequency). This variant has not been reported in the literature in individuals affected with BRAF-related conditions. ClinVar contains an entry for this variant (Variation ID: 1711752). Advanced modeling of protein sequence and biophysical properties (such as structural, functional, and spatial information, amino acid conservation, physicochemical variation, residue mobility, and thermodynamic stability) performed at Invitae indicates that this missense variant is not expected to disrupt BRAF protein function with a negative predictive value of 80%. In summary, the available evidence is currently insufficient to determine the role of this variant in disease. Therefore, it has been classified as a Variant of Uncertain Significance.

Laboratory of Virology, Oncology, Biosciences and Environment, Faculty of Sciences and Techniques, Mohammedia- University Hassan II of Casablanca
Classification: Uncertain significance for Prostate cancer, hereditary, 1. Last evaluated: 2022-07-29. Review status: no assertion criteria provided. Collection method: clinical testing. Allele origin: germline. Affected: yes. Not counted in ClinVar's aggregate classification.